The following is an entry in ClinVar:

ClinVar aggregate classification (germline): Likely pathogenic (1 of 4 stars; one submission).

Conditions:
Intellectual developmental disorder, X-linked 105. Also called: Intellectual disability, X-linked 105. Identifiers: MedGen C4310816, MONDO:0010510, OMIM 300984.

Submission:

Dasa
Classification: Likely pathogenic for Intellectual developmental disorder, X-linked 105. Last evaluated: 2024-12-14. Review status: criteria provided, single submitter. Criteria: DASA Assertion Criteria. Collection method: clinical testing. Allele origin: germline.
Comment: NM_001145073.3(USP27X):c.484C>T (p.Gln162*) is a nonsense variant in USP27X predicted to introduce a premature termination codon and is predicted to result in an absent or altered protein product. Loss of function is an established disease mechanism for USP27X-associated disorders. Also, this variant is absent from population databases. Based on the currently available evidence, this variant is classified as likely pathogenic.

NM_001145073.3(USP27X):c.484C>T (p.Gln162Ter)

Gene: USP27X (ubiquitin specific peptidase 27 X-linked; plus strand). Cytogenetic location: Xp11.23.
Variant type: single nucleotide variant.
Coding change: c.484C>T on transcript NM_001145073.3 (MANE Select); coding-DNA position 484, C replaced by T.
Protein change: p.Gln162Ter; replaces glutamine 162 with a stop codon.
Molecular consequence: nonsense.
Genome position (GRCh38, 1-based): chrX:49,880,791, C>T. VCF-style: chrX-49880791-C-T. GRCh37 (hg19) VCF-style: chrX-49645394-C-T.
Other names: short protein forms Q162*.
Identifiers: ClinVar variation 4882793 (VCV004882793.2).